The following is an entry in ClinVar:

ClinVar aggregate classification (germline): Pathogenic (1 of 4 stars; one submission).

Conditions:
Early-infantile DEE. Also called: Early infantile epileptic encephalopathy with suppression bursts; Early infantile epileptic encephalopathy; Ohtahara syndrome. Identifiers: Orphanet 1934, MedGen C0393706, MONDO:0800491.

Submission:

Labcorp Genetics (formerly Invitae), Labcorp
Classification: Pathogenic for Early-infantile DEE. Last evaluated: 2025-12-15. Review status: criteria provided, single submitter. Criteria: Invitae Variant Classification Sherloc (09022015). Collection method: clinical testing. Allele origin: germline.
Comment: This sequence change replaces serine, which is neutral and polar, with glycine, which is neutral and non-polar, at codon 1768 of the SCN1A protein (p.Ser1768Gly). This variant is not present in population databases (gnomAD no frequency). This missense change has been observed in individual(s) with clinical features of SCN1A-related conditions (internal data). In at least one individual the variant was observed to be de novo. ClinVar contains an entry for this variant (Variation ID: 1453583). Invitae Evidence Modeling of protein sequence and biophysical properties (such as structural, functional, and spatial information, amino acid conservation, physicochemical variation, residue mobility, and thermodynamic stability) indicates that this missense variant is expected to disrupt SCN1A protein function with a positive predictive value of 95%. For these reasons, this variant has been classified as Pathogenic.

NM_001165963.4(SCN1A):c.5302A>G (p.Ser1768Gly)

Genes: SCN1A (sodium voltage-gated channel alpha subunit 1; minus strand), LOC102724058 (uncharacterized LOC102724058; plus strand). Cytogenetic location: 2q24.3.
Variant type: single nucleotide variant.
Coding change: c.5302A>G on transcript NM_001165963.4 (MANE Select); coding-DNA position 5302, A replaced by G.
Protein change: p.Ser1768Gly; replaces serine 1768 with glycine.
Molecular consequence: missense variant. On other transcripts: non-coding transcript variant (1).
Genome position (GRCh38, 1-based): chr2:165,991,973, T>C on the plus strand (A>G on the coding strand, the complement: SCN1A is on the minus strand). VCF-style: chr2-165991973-T-C. GRCh37 (hg19) VCF-style: chr2-166848483-T-C.
Other names: c.5218A>G, p.Ser1740Gly (NM_001165964.3, NM_001353957.2, NM_001353958.2); c.5302A>G, p.Ser1768Gly (NM_001202435.3, NM_001353948.2); c.5269A>G, p.Ser1757Gly (NM_001353949.2, NM_001353950.2, NM_001353951.2 and 2 more transcripts); c.5266A>G, p.Ser1756Gly (NM_001353954.2, NM_001353955.2); c.5215A>G, p.Ser1739Gly (NM_001353960.2); c.2860A>G, p.Ser954Gly (NM_001353961.2); short protein forms S1757G, S1739G, S1756G, S1768G, S1740G, S954G.
Identifiers: ClinVar variation 1453583 (VCV001453583.9), dbSNP rs2105429627, ClinGen allele CA349068216.
Genomic context (GRCh38, chr2:165,991,973, plus strand): 5'-TCTCCAGGATGACCGCGATGTACATGTTCACCACAACCAGGAAGGATATGATGATGTAAC[T>C]GACAAAAAAGAAAATTCCAACAGATGGGTTCCCACAGTCTCCCTTAACTGAGCTTCCAGG-3'
Protein context (NP_001159435.1, residues 1758-1778): NPSVGIFFFV[Ser1768Gly]YIIISFLVVV